The following is an entry in ClinVar:

ClinVar aggregate classification (germline): Likely benign. Review status: criteria provided, multiple submitters, no conflicts (2 of 4 stars). 3 submissions from 3 submitters: Likely benign (2). 1 of the submissions does not count toward it. Last evaluated 2026-01-27.

Conditions:
NKX2-6-related disorder. Also called: NKX2-6-related condition.
Conotruncal heart malformations (CTHM). Also called: Conotruncal heart malformations, variable. Identifiers: Orphanet 2445, Orphanet 3384, Orphanet 3426, MedGen C1857586, MONDO:0016581, OMIM 217095.

Allele frequency attached by ClinVar (database versions not stated): TOPMed 0.00037; ExAC 0.00081.

Submissions (3):

Labcorp Genetics (formerly Invitae), Labcorp
Classification: Likely benign for Conotruncal heart malformations. Last evaluated: 2026-01-27. Review status: criteria provided, single submitter. Criteria: Invitae Variant Classification Sherloc (09022015). Collection method: clinical testing. Allele origin: germline.

Breakthrough Genomics
Classification: Likely benign. Review status: criteria provided, single submitter. Criteria: ACMG Guidelines, 2015. Collection method: not provided. Allele origin: germline. Inheritance: Unknown mechanism. Affected: yes.

PreventionGenetics, part of Exact Sciences
Classification: Likely benign for NKX2-6-related condition. Last evaluated: 2019-08-15. Review status: no assertion criteria provided. Collection method: clinical testing. Allele origin: germline. Not counted in ClinVar's aggregate classification.
Comment: This variant is classified as likely benign based on ACMG/AMP sequence variant interpretation guidelines (Richards et al. 2015 PMID: 25741868, with internal and published modifications).

NM_001136271.3(NKX2-6):c.29C>G (p.Pro10Arg)

Gene: NKX2-6 (NK2 homeobox 6; minus strand). Cytogenetic location: 8p21.2.
Variant type: single nucleotide variant.
Coding change: c.29C>G on transcript NM_001136271.3 (MANE Select); coding-DNA position 29, C replaced by G.
Protein change: p.Pro10Arg; replaces proline 10 with arginine.
Molecular consequence: missense variant.
Genome position (GRCh38, 1-based): chr8:23,706,570, G>C on the plus strand (C>G on the coding strand, the complement: NKX2-6 is on the minus strand). VCF-style: chr8-23706570-G-C. GRCh37 (hg19) VCF-style: chr8-23564083-G-C.
Other names: short protein forms P10R.
Identifiers: ClinVar variation 466315 (VCV000466315.10), dbSNP rs747477274, ClinGen allele CA4678026.
Genomic context (GRCh38, chr8:23,706,570, plus strand): 5'-GGCGAAGCCGCGGGGCAGCTCCGCTCGCGCTCCAGTCGCAGGATGTCCTTGACCGAGAAG[G>C]GGGTGGAGGTGACGGGGCTCAGCAGCATCCCGAAGGCGGATGGGGCGGGGCCGAGGAGGT-3'
Protein context (NP_001129743.2, residues 1-20): MLLSPVTST[Pro10Arg]FSVKDILRLE